The following is an entry in ClinVar:

ClinVar aggregate classification (germline): Uncertain significance (1 of 4 stars; one submission).

Submission:

Labcorp Genetics (formerly Invitae), Labcorp
Classification: Uncertain significance. Last evaluated: 2023-12-30. Review status: criteria provided, single submitter. Criteria: Invitae Variant Classification Sherloc (09022015). Collection method: clinical testing. Allele origin: germline.
Comment: This sequence change falls in intron 21 of the MSH3 gene. It does not directly change the encoded amino acid sequence of the MSH3 protein. It affects a nucleotide within the consensus splice site. This variant is not present in population databases (gnomAD no frequency). This variant has not been reported in the literature in individuals affected with MSH3-related conditions. Variants that disrupt the consensus splice site are a relatively common cause of aberrant splicing (PMID: 17576681, 9536098). Algorithms developed to predict the effect of sequence changes on RNA splicing suggest that this variant may disrupt the consensus splice site. In summary, the available evidence is currently insufficient to determine the role of this variant in disease. Therefore, it has been classified as a Variant of Uncertain Significance.

Literature cited by the submitters: PubMed 17576681; PubMed 9536098.

NM_002439.5(MSH3):c.3000+5G>A

Gene: MSH3 (mutS homolog 3; plus strand). Cytogenetic location: 5q14.1.
Variant type: single nucleotide variant.
Coding change: c.3000+5G>A on transcript NM_002439.5 (MANE Select); 5 bases into the intron after coding-DNA position 3000, G replaced by A.
Molecular consequence: intron variant.
Genome position (GRCh38, 1-based): chr5:80,854,321, G>A. VCF-style: chr5-80854321-G-A. GRCh37 (hg19) VCF-style: chr5-80150140-G-A.
Identifiers: ClinVar variation 2853184 (VCV002853184.3), dbSNP rs1421357454, ClinGen allele CA1558578822.